The following is an entry in ClinVar:

NM_000747.3(CHRNB1):c.171_181del (p.Leu58fs)

Gene: CHRNB1 (cholinergic receptor nicotinic beta 1 subunit; plus strand). Cytogenetic location: 17p13.1.
Variant type: Deletion.
Coding change: c.171_181del on transcript NM_000747.3 (MANE Select); coding-DNA positions 171 to 181, 11 bases deleted (TCTCATCCTGG).
Protein change: p.Leu58fs; shifts the reading frame from leucine 58.
Molecular consequence: frameshift variant.
Genome position (GRCh38, 1-based): chr17:7,445,382-7,445,392, TCTCATCCTGG deleted; deleting any 11 consecutive bases within chr17:7,445,379-7,445,392 gives the same sequence; the c. name uses the placement nearest the transcript's 3' end. VCF-style (leftmost placement, unchanged base first): chr17-7445378-TTGGTCTCATCC-T. GRCh37 (hg19) VCF-style: chr17-7348697-TTGGTCTCATCC-T.
Other names: short protein forms L58fs.
Identifiers: ClinVar variation 4850770 (VCV004850770.1).

ClinVar aggregate classification (germline): Likely pathogenic (1 of 4 stars; one submission).

Conditions:
Autosomal recessive CHRNB1-related disorders.

Submission:

Variantyx, Inc.
Classification: Likely pathogenic for Autosomal recessive CHRNB1-related disorders. Last evaluated: 2025-03-06. Review status: criteria provided, single submitter. Criteria: Variantyx Assertion Criteria 2022. Collection method: clinical testing. Allele origin: germline. Inheritance: Autosomal recessive inheritance. Affected: no.
Comment: This is a frameshift variant in the CHRNB1 gene (OMIM: 100710). Pathogenic variants in this gene have been associated with autosomal recessive CHRNB1-related disorders. This variant introduces a premature termination codon in exon 2 out of 11 and it is expected to result in loss of function, which is a known disease mechanism for CHRNB1 in this disorder (PMID: 10562302) (PVS1). This variant is absent from control populations (PM2_Supporting). Based on the current evidence, this variant is classified as likely pathogenic for autosomal recessive CHRNB1-related disorders.

Literature cited by the submitters: PubMed 10562302.